The following is an entry in ClinVar:

ClinVar aggregate classification (germline): Benign (1 of 4 stars; one submission).

Conditions:
Hereditary spastic paraplegia 48. Also called: Spastic paraplegia 48; SPASTIC PARAPLEGIA 48, AUTOSOMAL RECESSIVE. Identifiers: Orphanet 306511, MedGen C3150901, MONDO:0013342, OMIM 613647.

Allele frequency attached by ClinVar (database versions not stated): gnomAD exomes 0.00273; gnomAD 0.01827 and 0.01978; 1000 Genomes Project 0.01837; 1000 Genomes Project 30x 0.01905; TOPMed 0.01973.
gnomAD v4.1: 2,772 of 152,716 alleles (1.8%); highest among the groups gnomAD compares: African/African-American, 6.2%; 79 homozygotes.

Submission:

Illumina Laboratory Services, Illumina
Classification: Benign for Hereditary spastic paraplegia 48. Last evaluated: 2018-01-12. Review status: criteria provided, single submitter. Criteria: ICSL Variant Classification Criteria 13 December 2019. Collection method: clinical testing. Allele origin: germline.
Comment: This variant was observed in the ICSL laboratory as part of a predisposition screen in an ostensibly healthy population. It had not been previously curated by ICSL or reported in the Human Gene Mutation Database (HGMD: prior to June 1st, 2018), and was therefore a candidate for classification through an automated scoring system. Utilizing variant allele frequency, disease prevalence and penetrance estimates, and inheritance mode, an automated score was calculated to assess if this variant is too frequent to cause the disease. Based on the score and internal cut-off values, a variant classified as benign is not then subjected to further curation. The score for this variant resulted in a classification of benign for this disease.

NM_014855.3(AP5Z1):c.*2501G>A

Gene: AP5Z1 (adaptor related protein complex 5 subunit zeta 1; plus strand). Cytogenetic location: 7p22.1.
Variant type: single nucleotide variant.
Coding change: c.*2501G>A on transcript NM_014855.3 (MANE Select); 2501 bases downstream of the stop codon, G replaced by A.
Molecular consequence: 3 prime UTR variant. On other transcripts: non-coding transcript variant (1).
Genome position (GRCh38, 1-based): chr7:4,793,886, G>A. VCF-style: chr7-4793886-G-A. GRCh37 (hg19) VCF-style: chr7-4833517-G-A.
Other names: c.*2501G>A (NM_001364858.1).
Identifiers: ClinVar variation 911119 (VCV000911119.4), dbSNP rs115452328, ClinGen allele CA153040921.